The following is an entry in ClinVar:

NM_001363711.2(DUOX2):c.2111G>A (p.Arg704His)

Gene: DUOX2 (dual oxidase 2; minus strand). Cytogenetic location: 15q21.1.
Variant type: single nucleotide variant.
Coding change: c.2111G>A on transcript NM_001363711.2 (MANE Select); coding-DNA position 2111, G replaced by A.
Protein change: p.Arg704His; replaces arginine 704 with histidine.
Molecular consequence: missense variant.
Genome position (GRCh38, 1-based): chr15:45,106,162, C>T on the plus strand (G>A on the coding strand, the complement: DUOX2 is on the minus strand). VCF-style: chr15-45106162-C-T. GRCh37 (hg19) VCF-style: chr15-45398360-C-T.
Other names: c.2111G>A, p.Arg704His (NM_014080.5); short protein forms R704H.
Identifiers: ClinVar variation 1394865 (VCV001394865.8), dbSNP rs774641205, ClinGen allele CA7538382.

ClinVar aggregate classification (germline): Uncertain significance (1 of 4 stars; one submission).

Allele frequency attached by ClinVar (database versions not stated): TOPMed below 0.00001; ExAC 0.00002; gnomAD exomes 0.00002.
gnomAD v4.1: 13 of 1,614,164 alleles (0.00081%); highest among the groups gnomAD compares: South Asian, 0.0066%; no homozygotes.

Submission:

Labcorp Genetics (formerly Invitae), Labcorp
Classification: Uncertain significance. Last evaluated: 2025-12-22. Review status: criteria provided, single submitter. Criteria: Invitae Variant Classification Sherloc (09022015). Collection method: clinical testing. Allele origin: germline.
Comment: This sequence change replaces arginine, which is basic and polar, with histidine, which is basic and polar, at codon 704 of the DUOX2 protein (p.Arg704His). This variant is present in population databases (rs774641205, gnomAD 0.01%). This variant has not been reported in the literature in individuals affected with DUOX2-related conditions. ClinVar contains an entry for this variant (Variation ID: 1394865). Invitae Evidence Modeling of protein sequence and biophysical properties (such as structural, functional, and spatial information, amino acid conservation, physicochemical variation, residue mobility, and thermodynamic stability) indicates that this missense variant is not expected to disrupt DUOX2 protein function with a negative predictive value of 80%. In summary, the available evidence is currently insufficient to determine the role of this variant in disease. Therefore, it has been classified as a Variant of Uncertain Significance.